The following is an entry in ClinVar:

NM_018908.3(PCDHA5):c.2352+32100A>C

Genes: PCDHA1 (protocadherin alpha 1; plus strand), PCDHA10 (protocadherin alpha 10; plus strand), PCDHA2 (protocadherin alpha 2; plus strand), PCDHA3 (protocadherin alpha 3; plus strand), PCDHA4 (protocadherin alpha 4; plus strand) and 6 more. Cytogenetic location: 5q31.3.
Variant type: single nucleotide variant.
Coding change: c.2352+32100A>C on transcript NM_018908.3 (MANE Select); 32100 bases into the intron after coding-DNA position 2352, A replaced by C.
Molecular consequence: intron variant. On other transcripts: missense variant (3).
Genome position (GRCh38, 1-based): chr5:140,856,227, A>C. VCF-style: chr5-140856227-A-C. GRCh37 (hg19) VCF-style: chr5-140235812-A-C.
Other names: c.179A>C, p.Gln60Pro (NM_018901.4, NM_031859.3, NM_031860.3); c.2394+67543A>C (NM_018900.4); c.1602+68335A>C (NM_031411.3); c.2388+58875A>C (NM_018905.3); c.2394+52636A>C (NM_018906.3); c.2385+46655A>C (NM_018907.4); c.2394+25742A>C (NM_018909.4); c.1602+26534A>C (NM_031849.3); and 3 more; short protein forms Q60P.
Identifiers: ClinVar variation 2655777 (VCV002655777.24), dbSNP rs149352769, ClinGen allele CA3450898.

ClinVar aggregate classification (germline): Likely benign (1 of 4 stars; one submission).

Allele frequency attached by ClinVar (database versions not stated): ESP Exome Variant Server 0.00124; TOPMed 0.00180; 1000 Genomes Project 30x 0.00234; 1000 Genomes Project 0.00240; gnomAD exomes 0.00283; gnomAD 0.00341; ExAC 0.00389.
gnomAD v4.1: 4,605 of 1,597,986 alleles (0.29%); highest among the groups gnomAD compares: Middle Eastern, 1%; 355 homozygotes.

Submission:

CeGaT Center for Human Genetics Tuebingen
Classification: Likely benign. Last evaluated: 2026-03-01. Review status: criteria provided, single submitter. Criteria: CeGaT Center For Human Genetics Tuebingen Variant Classification Criteria Version 2. Collection method: clinical testing. Allele origin: germline. Affected: yes. Observed: 5 variant alleles.
Comment: PCDHA2: BS2; PCDHA3: BS2; PCDHA5: BS2; PCDHA6: BS2; PCDHA7: BS2; PCDHA8: BS2; PCDHA9: BS2